The following is an entry in ClinVar:

ClinVar aggregate classification (germline): Pathogenic (1 of 4 stars; one submission).

Conditions:
Werner syndrome (WRN). Identifiers: Orphanet 902, MedGen C0043119, MONDO:0010196, OMIM 277700.

Submission:

3billion
Classification: Pathogenic for Werner syndrome. Last evaluated: 2025-03-07. Review status: criteria provided, single submitter. Criteria: ACMG Guidelines, 2015. Collection method: clinical testing. Allele origin: germline. Affected: yes.
Comment: The variant is not observed in the gnomAD v4.1.0 dataset. Predicted Consequence/Location: Frameshift: predicted to result in a loss or disruption of normal protein function through nonsense-mediated decay (NMD) or protein truncation. Multiple pathogenic variants are reported downstream of the variant. Therefore, this variant is classified as Pathogenic according to the recommendation of ACMG/AMP guideline.

NM_000553.6(WRN):c.2765dup (p.Gln923fs)

Gene: WRN (WRN RecQ like helicase; plus strand). Cytogenetic location: 8p12.
Variant type: Duplication.
Coding change: c.2765dup on transcript NM_000553.6 (MANE Select); coding-DNA position 2765, one base duplicated (T; older notation c.2765dupT).
Protein change: p.Gln923fs; shifts the reading frame from glutamine 923.
Molecular consequence: frameshift variant.
Genome position (GRCh38, 1-based): chr8:31,124,940, T duplicated. VCF-style (leftmost placement, unchanged base first): chr8-31124939-G-GT. GRCh37 (hg19) VCF-style: chr8-30982455-G-GT.
Other names: short protein forms Q923fs.
Identifiers: ClinVar variation 4293018 (VCV004293018.1).
Genomic context (GRCh38, chr8:31,124,939, plus strand): 5'-TATTTAATTTAAAATTTTGTCTTGGGTAGAATCATCTTGTCTCATTTTGAGGACAAACAA[G>GT]TACAAAAAGCCTCCTTGGGAATTATGGGAACTGAAAAATGCTGTGATAATTGCAGGTCCA-3'